The following is an entry in ClinVar:

ClinVar aggregate classification (germline): Uncertain significance (1 of 4 stars; one submission).

Submission:

GeneDx
Classification: Uncertain significance. Last evaluated: 2025-03-11. Review status: criteria provided, single submitter. Criteria: GeneDx Variant Classification Process June 2021. Collection method: clinical testing. Allele origin: germline. Affected: yes.
Comment: Not observed at significant frequency in large population cohorts (gnomAD); In silico analysis supports a deleterious effect on protein structure/function; Has not been previously published as pathogenic or benign to our knowledge

NM_006231.4(POLE):c.655_657delinsTTT (p.Val219Phe)

Gene: POLE (DNA polymerase epsilon, catalytic subunit; minus strand). Cytogenetic location: 12q24.33.
Variant type: Indel.
Coding change: c.655_657delinsTTT on transcript NM_006231.4 (MANE Select); coding-DNA positions 655 to 657, GTG replaced by TTT.
Protein change: p.Val219Phe; replaces valine 219 with phenylalanine.
Molecular consequence: missense variant.
Genome position (GRCh38, 1-based): chr12:132,677,641-132,677,643, CAC replaced by AAA on the plus strand (GTG replaced by TTT on the coding strand, the reverse complement: POLE is on the minus strand). VCF-style: chr12-132677641-CAC-AAA. GRCh37 (hg19) VCF-style: chr12-133254227-CAC-AAA.
Other names: short protein forms V219F.
Identifiers: ClinVar variation 4083087 (VCV004083087.1).